The following is an entry in ClinVar:

ClinVar aggregate classification (germline): Uncertain significance. Review status: criteria provided, multiple submitters, no conflicts (2 of 4 stars). 4 submissions from 4 submitters: Uncertain significance (4). Last evaluated 2026-10-01.

Conditions:
Hereditary cancer-predisposing syndrome. Also called: Hereditary neoplastic syndrome; Neoplastic Syndromes, Hereditary; Tumor predisposition; Hereditary Cancer Syndrome. Identifiers: Orphanet 140162, MedGen C0027672, MeSH D009386, MONDO:0015356.
Tumor predisposition syndrome 3 (TPDS3). Also called: LONG TELOMERE SYNDROME, POT1-RELATED; POT1 Tumor Predisposition; Melanoma, cutaneous malignant, susceptibility to, 10; Glioma susceptibility 9. Identifiers: Orphanet 618, MedGen C4014476, MONDO:0014368, OMIM 615848.

Allele frequency attached by ClinVar (database versions not stated): gnomAD exomes below 0.00001.

Submissions (4):

St. Jude Molecular Pathology, St. Jude Children's Research Hospital
Classification: Uncertain significance for Tumor predisposition syndrome 3. Last evaluated: 2026-10-01. Review status: criteria provided, single submitter. Criteria: St. Jude Assertion Criteria 2020. Collection method: clinical testing. Allele origin: germline.
Comment: The POT1 c.191G>A p.(Gly64Glu) missense change is absent in gnomAD v2.1.1. The in silico tool REVEL predicts a benign effect on protein function, but to our knowledge this prediction has not been confirmed by functional studies. To our knowledge, this variant has not been reported in the literature in individuals wi th POT1-associated conditions. In summary, the evidence currently available is insufficient to determine the clinical significance of this variant. It has therefore been classified as of uncertain significance (VUS-Low).

Ambry Genetics
Classification: Uncertain significance for Hereditary cancer-predisposing syndrome. Last evaluated: 2025-06-16. Review status: criteria provided, single submitter. Criteria: Ambry Variant Classification Scheme 2023. Collection method: clinical testing. Allele origin: germline.
Comment: The p.G64E variant (also known as c.191G>A), located in coding exon 3 of the POT1 gene, results from a G to A substitution at nucleotide position 191. The glycine at codon 64 is replaced by glutamic acid, an amino acid with similar properties. This amino acid position is well conserved in available vertebrate species. In addition, this alteration is predicted to be tolerated by in silico analysis. Based on the available evidence, the clinical significance of this variant remains unclear.

Labcorp Genetics (formerly Invitae), Labcorp
Classification: Uncertain significance for Tumor predisposition syndrome 3. Last evaluated: 2024-06-25. Review status: criteria provided, single submitter. Criteria: Invitae Variant Classification Sherloc (09022015). Collection method: clinical testing. Allele origin: germline.
Comment: This sequence change replaces glycine, which is neutral and non-polar, with glutamic acid, which is acidic and polar, at codon 64 of the POT1 protein (p.Gly64Glu). This variant is not present in population databases (gnomAD no frequency). This variant has not been reported in the literature in individuals affected with POT1-related conditions. ClinVar contains an entry for this variant (Variation ID: 1782643). Advanced modeling of protein sequence and biophysical properties (such as structural, functional, and spatial information, amino acid conservation, physicochemical variation, residue mobility, and thermodynamic stability) performed at Invitae indicates that this missense variant is not expected to disrupt POT1 protein function with a negative predictive value of 80%. In summary, the available evidence is currently insufficient to determine the role of this variant in disease. Therefore, it has been classified as a Variant of Uncertain Significance.

GeneDx
Classification: Uncertain significance. Last evaluated: 2023-11-06. Review status: criteria provided, single submitter. Criteria: GeneDx Variant Classification Process June 2021. Collection method: clinical testing. Allele origin: germline. Affected: yes.
Comment: Not observed at significant frequency in large population cohorts (gnomAD); In silico analysis supports that this missense variant does not alter protein structure/function; Has not been previously published as pathogenic or benign to our knowledge; This variant is associated with the following publications: (PMID: 28393830)

NM_015450.3(POT1):c.191G>A (p.Gly64Glu)

Gene: POT1 (protection of telomeres 1; minus strand). Cytogenetic location: 7q31.33.
Variant type: single nucleotide variant.
Coding change: c.191G>A on transcript NM_015450.3 (MANE Select); coding-DNA position 191, G replaced by A.
Protein change: p.Gly64Glu; replaces glycine 64 with glutamic acid.
Molecular consequence: missense variant. On other transcripts: non-coding transcript variant (3), intron variant (1).
Genome position (GRCh38, 1-based): chr7:124,870,975, C>T on the plus strand (G>A on the coding strand, the complement: POT1 is on the minus strand). VCF-style: chr7-124870975-C-T. GRCh37 (hg19) VCF-style: chr7-124511029-C-T.
Other names: c.-138-7335G>A (NM_001042594.2); short protein forms G64E.
Identifiers: ClinVar variation 1782643 (VCV001782643.7), dbSNP rs2485504992, ClinGen allele CA369061502.